The following is an entry in ClinVar:

ClinVar aggregate classification (germline): Uncertain significance (1 of 4 stars; one submission).

Conditions:
Hereditary pheochromocytoma and paraganglioma. Also called: Hereditary Paraganglioma-Pheochromocytoma Syndromes; Hereditary pheochromocytoma-paraganglioma; Hereditary paragangliomas and pheochromocytomas. Identifiers: Orphanet 29072, MedGen C4274332, MONDO:0017366.

Submission:

Labcorp Genetics (formerly Invitae), Labcorp
Classification: Uncertain significance for Hereditary pheochromocytoma and paraganglioma. Last evaluated: 2023-06-02. Review status: criteria provided, single submitter. Criteria: Invitae Variant Classification Sherloc (09022015). Collection method: clinical testing. Allele origin: germline.
Comment: In summary, the available evidence is currently insufficient to determine the role of this variant in disease. Therefore, it has been classified as a Variant of Uncertain Significance. An algorithm developed to predict the effect of missense changes on protein structure and function (PolyPhen-2) suggests that this variant is likely to be tolerated. This variant has not been reported in the literature in individuals affected with MAX-related conditions. This variant is not present in population databases (gnomAD no frequency). This sequence change replaces arginine, which is basic and polar, with glycine, which is neutral and non-polar, at codon 17 of the MAX protein (p.Arg17Gly).

NM_002382.5(MAX):c.49A>G (p.Arg17Gly)

Gene: MAX (MYC associated transcriptional regulator X; minus strand). Cytogenetic location: 14q23.3.
Variant type: single nucleotide variant.
Coding change: c.49A>G on transcript NM_002382.5 (MANE Select); coding-DNA position 49, A replaced by G.
Protein change: p.Arg17Gly; replaces arginine 17 with glycine.
Molecular consequence: missense variant. On other transcripts: 5 prime UTR variant (4), synonymous variant (1), non-coding transcript variant (7), intron variant (14).
Genome position (GRCh38, 1-based): chr14:65,101,560, T>C on the plus strand (A>G on the coding strand, the complement: MAX is on the minus strand). VCF-style: chr14-65101560-T-C. GRCh37 (hg19) VCF-style: chr14-65568278-T-C.
Other names: c.-226A>G (NM_001320415.2, NM_001407105.1, NM_001407106.1); c.49A>G, p.Arg17Gly (NM_001407094.1, NM_001407096.1, NM_001407097.1 and 6 more transcripts); c.-319A>G (NM_001407111.1); c.72A>G, p.Arg24= (NM_001407114.1); c.36+744A>G (NM_001271069.2, NM_001407095.1, NM_001407110.1 and 9 more transcripts); c.-305+949A>G (NM_001407112.1); c.-212+744A>G (NM_001407107.1); short protein forms R17G.
Identifiers: ClinVar variation 2756284 (VCV002756284.3), dbSNP rs2139964122, ClinGen allele CA390038757.